The following is an entry in ClinVar:

NM_005121.3(MED13):c.4670C>T (p.Ser1557Leu)

Gene: MED13 (mediator complex subunit 13; minus strand). Cytogenetic location: 17q23.2.
Variant type: single nucleotide variant.
Coding change: c.4670C>T on transcript NM_005121.3 (MANE Select); coding-DNA position 4670, C replaced by T.
Protein change: p.Ser1557Leu; replaces serine 1557 with leucine.
Molecular consequence: missense variant.
Genome position (GRCh38, 1-based): chr17:61,965,180, G>A on the plus strand (C>T on the coding strand, the complement: MED13 is on the minus strand). VCF-style: chr17-61965180-G-A. GRCh37 (hg19) VCF-style: chr17-60042541-G-A.
Other names: short protein forms S1557L.
Identifiers: ClinVar variation 4745443 (VCV004745443.1).

ClinVar aggregate classification (germline): Uncertain significance (1 of 4 stars; one submission).

Submission:

Labcorp Genetics (formerly Invitae), Labcorp
Classification: Uncertain significance. Last evaluated: 2026-01-06. Review status: criteria provided, single submitter. Criteria: Invitae Variant Classification Sherloc (09022015). Collection method: clinical testing. Allele origin: germline.
Comment: This sequence change replaces serine, which is neutral and polar, with leucine, which is neutral and non-polar, at codon 1557 of the MED13 protein (p.Ser1557Leu). This variant is not present in population databases (gnomAD no frequency). This variant has not been reported in the literature in individuals affected with MED13-related conditions. Invitae Evidence Modeling of protein sequence and biophysical properties (such as structural, functional, and spatial information, amino acid conservation, physicochemical variation, residue mobility, and thermodynamic stability) indicates that this missense variant is not expected to disrupt MED13 protein function with a negative predictive value of 80%. Algorithms developed to predict the effect of sequence changes on RNA splicing suggest that this variant may create or strengthen a splice site. In summary, the available evidence is currently insufficient to determine the role of this variant in disease. Therefore, it has been classified as a Variant of Uncertain Significance.